The following is an entry in ClinVar:

ClinVar aggregate classification (germline): Conflicting classifications of pathogenicity. Review status: criteria provided, conflicting classifications (1 of 4 stars). 4 submissions from 4 submitters: Uncertain significance (3); Likely benign (1). Last evaluated 2026-03-26.

Conditions:
Costello syndrome (CSTLO). Also called: HRAS-Related Costello Syndrome; FACIOCUTANEOSKELETAL SYNDROME; FCS SYNDROME. Identifiers: Orphanet 3071, MedGen C0587248, MONDO:0009026, OMIM 218040.
Intellectual disability. Also called: Intellectual functioning disability; Intellectual developmental disorder; intellectual disabilities. Identifiers: MedGen C3714756, MeSH D008607, MONDO:0001071, HP:0001249.

Allele frequency attached by ClinVar (database versions not stated): ExAC 0.00001; gnomAD 0.00001; gnomAD exomes 0.00002 and 0.00005; TOPMed 0.00002.
gnomAD v4.1: 77 of 1,613,596 alleles (0.0048%); highest among the groups gnomAD compares: Non-Finnish European, 0.0064%; no homozygotes.

Submissions (4):

Women's Health and Genetics/Laboratory Corporation of America, LabCorp
Classification: Uncertain significance. Last evaluated: 2026-03-26. Review status: criteria provided, single submitter. Criteria: LabCorp Variant Classification Summary - May 2015. Collection method: clinical testing. Allele origin: germline.
Comment: Variant summary: HRAS c.394G>A (p.Asp132Asn) results in a conservative amino acid change located in the Small GTP-binding domain (IPR005225) of the encoded protein sequence. Algorithms developed to predict the effect of missense changes on protein structure and function are either unavailable or do not agree on the potential impact of this missense change. The variant allele was found at a frequency of 1.6e-05 in 251164 control chromosomes. The available data on variant occurrences in the general population are insufficient to allow any conclusion about variant significance. To our knowledge, no occurrence of c.394G>A in individuals affected with HRAS-related conditions and no experimental evidence demonstrating its impact on protein function have been reported. ClinVar contains an entry for this variant (Variation ID: 567281). Based on the evidence outlined above, the variant was classified as uncertain significance.

Labcorp Genetics (formerly Invitae), Labcorp
Classification: Uncertain significance for Costello syndrome. Last evaluated: 2025-12-08. Review status: criteria provided, single submitter. Criteria: Invitae Variant Classification Sherloc (09022015). Collection method: clinical testing. Allele origin: germline.
Comment: This sequence change replaces aspartic acid, which is acidic and polar, with asparagine, which is neutral and polar, at codon 132 of the HRAS protein (p.Asp132Asn). This variant is present in population databases (rs759893630, gnomAD 0.004%). This variant has not been reported in the literature in individuals affected with HRAS-related conditions. ClinVar contains an entry for this variant (Variation ID: 567281). Invitae Evidence Modeling incorporating data from in vitro experimental studies (internal data) indicates that this missense variant is not expected to disrupt HRAS function with a negative predictive value of 95%. In summary, the available evidence is currently insufficient to determine the role of this variant in disease. Therefore, it has been classified as a Variant of Uncertain Significance.

Cambridge Genomics Laboratory, East Genomic Laboratory Hub, NHS Genomic Medicine Service
Classification: Likely benign for Intellectual disability. Last evaluated: 2020-03-30. Review status: criteria provided, single submitter. Criteria: ACGS Best Practice Guidelines for Variant Classification in Rare Disease 2020. Collection method: clinical testing. Allele origin: germline. Affected: yes. Observed: 1 variant allele.

Blueprint Genetics
Classification: Uncertain significance. Last evaluated: 2018-04-20. Review status: criteria provided, single submitter. Criteria: ACMG Guidelines, 2015. Collection method: clinical testing. Allele origin: germline.

NM_005343.4(HRAS):c.394G>A (p.Asp132Asn)

Genes: HRAS (HRas proto-oncogene, GTPase; minus strand), LRRC56 (leucine rich repeat containing 56; plus strand). Cytogenetic location: 11p15.5.
Variant type: single nucleotide variant.
Coding change: c.394G>A on transcript NM_005343.4 (MANE Select); coding-DNA position 394, G replaced by A.
Protein change: p.Asp132Asn; replaces aspartic acid 132 with asparagine.
Molecular consequence: missense variant. On other transcripts: synonymous variant (1).
Genome position (GRCh38, 1-based): chr11:533,509, C>T on the plus strand (G>A on the coding strand, the complement: HRAS is on the minus strand). VCF-style: chr11-533509-C-T. GRCh37 (hg19) VCF-style: chr11-533509-C-T.
Other names: c.394G>A, p.Asp132Asn (NM_001130442.3, NM_176795.5); c.75G>A, p.Arg25= (NM_001318054.2); short protein forms D132N.
Identifiers: ClinVar variation 567281 (VCV000567281.16), dbSNP rs759893630, ClinGen allele CA5779322.